The following is an entry in ClinVar:

ClinVar aggregate classification (germline): Uncertain significance (1 of 4 stars; one submission).

Submission:

GeneDx
Classification: Uncertain significance. Last evaluated: 2020-02-21. Review status: criteria provided, single submitter. Criteria: GeneDx Variant Classification Process June 2021. Collection method: clinical testing. Allele origin: germline. Affected: yes.
Comment: Not observed in large population cohorts (Lek et al., 2016); In silico analysis supports that this missense variant does not alter protein structure/function; Has not been previously published as pathogenic or benign to our knowledge

NM_003383.5(VLDLR):c.43C>G (p.Leu15Val)

Genes: VLDLR-AS1 (VLDLR antisense RNA 1; minus strand), VLDLR (very low density lipoprotein receptor; plus strand), LOC130001468 (ATAC-STARR-seq lymphoblastoid silent region 19733; plus strand). Cytogenetic location: 9p24.2.
Variant type: single nucleotide variant.
Coding change: c.43C>G on transcript NM_003383.5 (MANE Select); coding-DNA position 43, C replaced by G.
Protein change: p.Leu15Val; replaces leucine 15 with valine.
Molecular consequence: missense variant. On other transcripts: non-coding transcript variant (1).
Genome position (GRCh38, 1-based): chr9:2,622,232, C>G. VCF-style: chr9-2622232-C-G. GRCh37 (hg19) VCF-style: chr9-2622232-C-G.
Other names: c.43C>G, p.Leu15Val (NM_001018056.3, NM_001322225.2, NM_001322226.2); short protein forms L15V.
Identifiers: ClinVar variation 1313792 (VCV001313792.2), dbSNP rs1320072162, ClinGen allele CA372785742.
Genomic context (GRCh38, chr9:2,622,232, plus strand): 5'-ACCATCCAGGCGGGCACCATGGGCACGTCCGCGCTCTGGGCGCTCTGGCTGCTGCTCGCG[C>G]TGTGCTGGGCGCCCCGGGAGAGCGGCGCCACCGGAACCGGTGAGTGAGGACGCGCCCCTC-3'
Protein context (NP_003374.3, residues 5-25): ALWALWLLLA[Leu15Val]CWAPRESGAT